The following is an entry in ClinVar:

ClinVar aggregate classification (germline): Uncertain significance (1 of 4 stars; one submission).

Conditions:
Congenital contractural arachnodactyly (CCA). Also called: BEALS SYNDROME; Arthrogryposis, distal, type 9; Beals-Hecht syndrome. Identifiers: Orphanet 115, MedGen C0220668, MONDO:0007363, OMIM 121050.

Submission:

Labcorp Genetics (formerly Invitae), Labcorp
Classification: Uncertain significance for Congenital contractural arachnodactyly. Last evaluated: 2025-12-15. Review status: criteria provided, single submitter. Criteria: Invitae Variant Classification Sherloc (09022015). Collection method: clinical testing. Allele origin: germline.
Comment: This sequence change replaces threonine, which is neutral and polar, with lysine, which is basic and polar, at codon 2867 of the FBN2 protein (p.Thr2867Lys). This variant is not present in population databases (gnomAD no frequency). This variant has not been reported in the literature in individuals affected with FBN2-related conditions. Invitae Evidence Modeling of protein sequence and biophysical properties (such as structural, functional, and spatial information, amino acid conservation, physicochemical variation, residue mobility, and thermodynamic stability) indicates that this missense variant is not expected to disrupt FBN2 protein function with a negative predictive value of 80%. In summary, the available evidence is currently insufficient to determine the role of this variant in disease. Therefore, it has been classified as a Variant of Uncertain Significance.

NM_001999.4(FBN2):c.8600C>A (p.Thr2867Lys)

Gene: FBN2 (fibrillin 2; minus strand). Cytogenetic location: 5q23.3.
Variant type: single nucleotide variant.
Coding change: c.8600C>A on transcript NM_001999.4 (MANE Select); coding-DNA position 8600, C replaced by A.
Protein change: p.Thr2867Lys; replaces threonine 2867 with lysine.
Molecular consequence: missense variant.
Genome position (GRCh38, 1-based): chr5:128,259,594, G>T on the plus strand (C>A on the coding strand, the complement: FBN2 is on the minus strand). VCF-style: chr5-128259594-G-T. GRCh37 (hg19) VCF-style: chr5-127595286-G-T.
Other names: short protein forms T2867K.
Identifiers: ClinVar variation 4804425 (VCV004804425.1).